The following is an entry in ClinVar:

ClinVar aggregate classification (germline): Pathogenic (1 of 4 stars; one submission).

Conditions:
Bloom syndrome (BLM). Also called: Bloom-Torre-Machacek syndrome. Identifiers: Orphanet 125, MedGen C0005859, MONDO:0008876, OMIM 210900.

Submission:

Myriad Genetics, Inc.
Classification: Pathogenic for Bloom syndrome. Last evaluated: 2025-12-18. Review status: criteria provided, single submitter. Criteria: Myriad Autosomal Dominant, Autosomal Recessive and X-Linked Classification Criteria (2023). Collection method: clinical testing. Allele origin: unknown.
Comment: This variant is considered pathogenic. This variant creates a frameshift predicted to result in premature protein truncation.

NM_000057.4(BLM):c.3532dup (p.Gln1178fs)

Gene: BLM (BLM RecQ like helicase; plus strand). Cytogenetic location: 15q26.1.
Variant type: Duplication.
Coding change: c.3532dup on transcript NM_000057.4 (MANE Select); coding-DNA position 3532, one base duplicated (C; older notation c.3532dupC).
Protein change: p.Gln1178fs; shifts the reading frame from glutamine 1178.
Molecular consequence: frameshift variant. On other transcripts: intron variant (1).
Genome position (GRCh38, 1-based): chr15:90,803,694, C duplicated; the last of 3 consecutive C bases (chr15:90,803,692-90,803,694); duplicating any one gives the same sequence. VCF-style (leftmost placement, unchanged base first): chr15-90803691-G-GC. GRCh37 (hg19) VCF-style: chr15-91346921-G-GC.
Other names: c.3532dup, p.Gln1178fs (NM_001287246.2); c.2407dup, p.Gln803fs (NM_001287248.2); c.3358+5357dup (NM_001287247.2); short protein forms Q1178fs, Q803fs.
Identifiers: ClinVar variation 4813026 (VCV004813026.1).
Genomic context (GRCh38, chr15:90,803,691, plus strand): 5'-GAAGACTTATATATCAATGCCAATGACCAGGCGATCGCTTATGTGATGCTCGGAAATAAA[G>GC]CCCAAACTGTACTAAATGGCAATTTAAAGGTATAGTATTTTTCATGTTTATTTTATTATC-3'